The following is an entry in ClinVar:

ClinVar aggregate classification (germline): Uncertain significance. Review status: criteria provided, multiple submitters, no conflicts (2 of 4 stars). 2 submissions from 2 submitters: Uncertain significance (2). Last evaluated 2024-04-22.

Conditions:
Inborn genetic diseases. Identifiers: MedGen C0950123, MeSH D030342.

Allele frequency attached by ClinVar (database versions not stated): TOPMed 0.00006; gnomAD 0.00007; ESP Exome Variant Server 0.00008.
gnomAD v4.1: 121 of 1,614,110 alleles (0.0075%); highest among the groups gnomAD compares: Non-Finnish European, 0.0098%; no homozygotes.

Submissions (2):

Ambry Genetics
Classification: Uncertain significance for Inborn genetic diseases. Last evaluated: 2024-04-22. Review status: criteria provided, single submitter. Criteria: Ambry Variant Classification Scheme 2023. Collection method: clinical testing. Allele origin: germline.

Labcorp Genetics (formerly Invitae), Labcorp
Classification: Uncertain significance. Last evaluated: 2021-09-21. Review status: criteria provided, single submitter. Criteria: Invitae Variant Classification Sherloc (09022015). Collection method: clinical testing. Allele origin: germline.
Comment: This sequence change replaces arginine with threonine at codon 838 of the ORC1 protein (p.Arg838Thr). The arginine residue is highly conserved and there is a moderate physicochemical difference between arginine and threonine. This variant is present in population databases (rs369189050, ExAC 0.01%). This variant has not been reported in the literature in individuals affected with ORC1-related conditions. Algorithms developed to predict the effect of missense changes on protein structure and function (SIFT, PolyPhen-2, Align-GVGD) all suggest that this variant is likely to be disruptive. In summary, the available evidence is currently insufficient to determine the role of this variant in disease. Therefore, it has been classified as a Variant of Uncertain Significance.

NM_004153.4(ORC1):c.2513G>C (p.Arg838Thr)

Gene: ORC1 (origin recognition complex subunit 1; minus strand). Cytogenetic location: 1p32.3.
Variant type: single nucleotide variant.
Coding change: c.2513G>C on transcript NM_004153.4 (MANE Select); coding-DNA position 2513, G replaced by C.
Protein change: p.Arg838Thr; replaces arginine 838 with threonine.
Molecular consequence: missense variant.
Genome position (GRCh38, 1-based): chr1:52,373,254, C>G on the plus strand (G>C on the coding strand, the complement: ORC1 is on the minus strand). VCF-style: chr1-52373254-C-G. GRCh37 (hg19) VCF-style: chr1-52838926-C-G.
Other names: c.2513G>C, p.Arg838Thr (NM_001190818.2); c.2498G>C, p.Arg833Thr (NM_001190819.2); c.2513G>C (NM_004153.3); short protein forms R833T, R838T.
Identifiers: ClinVar variation 1002759 (VCV001002759.6), dbSNP rs369189050, ClinGen allele CA853003.